The following is an entry in ClinVar:

ClinVar aggregate classification (germline): Uncertain significance. Review status: criteria provided, multiple submitters, no conflicts (2 of 4 stars). 2 submissions from 2 submitters: Uncertain significance (2). Last evaluated 2022-08-22.

Conditions:
Saldino-Mainzer syndrome (SRTD9). Also called: CONORENAL SYNDROME; short-rib thoracic dysplasia 9 with or without polydactyly; Renal dysplasia, retinal pigmentary dystrophy, cerebellar ataxia and skeletal dysplasia; SHORT-RIB THORACIC DYSPLASIA 9 WITHOUT POLYDACTYLY. Identifiers: Orphanet 140969, MedGen C1849437, MONDO:0009964, OMIM 266920.

Allele frequency attached by ClinVar (database versions not stated): gnomAD exomes below 0.00001; TOPMed below 0.00001; gnomAD 0.00001; ExAC 0.00002.
gnomAD v4.1: 8 of 1,600,624 alleles (0.0005%); highest among the groups gnomAD compares: Non-Finnish European, 0.00068%; no homozygotes.

Submissions (2):

Labcorp Genetics (formerly Invitae), Labcorp
Classification: Uncertain significance for Saldino-Mainzer syndrome. Last evaluated: 2022-08-22. Review status: criteria provided, single submitter. Criteria: Invitae Variant Classification Sherloc (09022015). Collection method: clinical testing. Allele origin: germline.
Comment: This sequence change replaces glutamic acid, which is acidic and polar, with glycine, which is neutral and non-polar, at codon 840 of the IFT140 protein (p.Glu840Gly). The frequency data for this variant in the population databases is considered unreliable, as metrics indicate poor data quality at this position in the gnomAD database. This variant has not been reported in the literature in individuals affected with IFT140-related conditions. Algorithms developed to predict the effect of missense changes on protein structure and function are either unavailable or do not agree on the potential impact of this missense change (SIFT: "Deleterious"; PolyPhen-2: "Benign"; Align-GVGD: "Class C0"). Algorithms developed to predict the effect of sequence changes on RNA splicing suggest that this variant may create or strengthen a splice site. In summary, the available evidence is currently insufficient to determine the role of this variant in disease. Therefore, it has been classified as a Variant of Uncertain Significance.

Blueprint Genetics
Classification: Uncertain significance. Last evaluated: 2020-10-31. Review status: criteria provided, single submitter. Criteria: ACMG Guidelines, 2015. Collection method: clinical testing. Allele origin: germline.

NM_014714.4(IFT140):c.2519A>G (p.Glu840Gly)

Gene: IFT140 (intraflagellar transport 140; minus strand). Cytogenetic location: 16p13.3.
Variant type: single nucleotide variant.
Coding change: c.2519A>G on transcript NM_014714.4 (MANE Select); coding-DNA position 2519, A replaced by G.
Protein change: p.Glu840Gly; replaces glutamic acid 840 with glycine.
Molecular consequence: missense variant.
Genome position (GRCh38, 1-based): chr16:1,526,677, T>C on the plus strand (A>G on the coding strand, the complement: IFT140 is on the minus strand). VCF-style: chr16-1526677-T-C. GRCh37 (hg19) VCF-style: chr16-1576678-T-C.
Other names: short protein forms E840G.
Identifiers: ClinVar variation 2077336 (VCV002077336.2), dbSNP rs762191941, ClinGen allele CA7813598.